The following is an entry in ClinVar:

ClinVar aggregate classification (germline): Uncertain significance. Review status: criteria provided, multiple submitters, no conflicts (2 of 4 stars). 2 submissions from 2 submitters: Uncertain significance (2). Last evaluated 2024-04-18.

Conditions:
Hyperkalemic periodic paralysis. Also called: Familial hyperkalemic periodic paralysis; Gamstorp disease. Identifiers: Orphanet 682, MedGen C0238357, MONDO:0008224, OMIM 170500, HP:0007215.

gnomAD v4.1: 1 of 1,613,702 alleles (0.000062%); highest among the groups gnomAD compares: Non-Finnish European, 0.000085%; no homozygotes.

Submissions (2):

Labcorp Genetics (formerly Invitae), Labcorp
Classification: Uncertain significance for Hyperkalemic periodic paralysis. Last evaluated: 2024-04-18. Review status: criteria provided, single submitter. Criteria: Invitae Variant Classification Sherloc (09022015). Collection method: clinical testing. Allele origin: germline.
Comment: This sequence change replaces proline, which is neutral and non-polar, with glutamine, which is neutral and polar, at codon 563 of the SCN4A protein (p.Pro563Gln). This variant is not present in population databases (gnomAD no frequency). This variant has not been reported in the literature in individuals affected with SCN4A-related conditions. ClinVar contains an entry for this variant (Variation ID: 2413042). Advanced modeling of protein sequence and biophysical properties (such as structural, functional, and spatial information, amino acid conservation, physicochemical variation, residue mobility, and thermodynamic stability) performed at Invitae indicates that this missense variant is not expected to disrupt SCN4A protein function with a negative predictive value of 95%. In summary, the available evidence is currently insufficient to determine the role of this variant in disease. Therefore, it has been classified as a Variant of Uncertain Significance.

GeneDx
Classification: Uncertain significance. Last evaluated: 2024-04-10. Review status: criteria provided, single submitter. Criteria: GeneDx Variant Classification Process June 2021. Collection method: clinical testing. Allele origin: germline.
Comment: Not observed at significant frequency in large population cohorts (gnomAD); In silico analysis supports that this missense variant has a deleterious effect on protein structure/function; In silico analysis suggests this variant may impact gene splicing. In the absence of RNA/functional studies, the actual effect of this sequence change is unknown.; Has not been previously published as pathogenic or benign to our knowledge

NM_000334.4(SCN4A):c.1688C>A (p.Pro563Gln)

Gene: SCN4A (sodium voltage-gated channel alpha subunit 4; minus strand). Cytogenetic location: 17q23.3.
Variant type: single nucleotide variant.
Coding change: c.1688C>A on transcript NM_000334.4 (MANE Select); coding-DNA position 1688, C replaced by A.
Protein change: p.Pro563Gln; replaces proline 563 with glutamine.
Molecular consequence: missense variant.
Genome position (GRCh38, 1-based): chr17:63,961,350, G>T on the plus strand (C>A on the coding strand, the complement: SCN4A is on the minus strand). VCF-style: chr17-63961350-G-T. GRCh37 (hg19) VCF-style: chr17-62038710-G-T.
Other names: short protein forms P563Q.
Identifiers: ClinVar variation 2413042 (VCV002413042.6), dbSNP rs371523329, ClinGen allele CA292967480.